The following is an entry in ClinVar:

NM_032043.3(BRIP1):c.1118T>C (p.Leu373Pro)

Gene: BRIP1 (BRCA1 interacting DNA helicase 1; minus strand). Cytogenetic location: 17q23.2.
Variant type: single nucleotide variant.
Coding change: c.1118T>C on transcript NM_032043.3 (MANE Select); coding-DNA position 1118, T replaced by C.
Protein change: p.Leu373Pro; replaces leucine 373 with proline.
Molecular consequence: missense variant.
Genome position (GRCh38, 1-based): chr17:61,801,275, A>G on the plus strand (T>C on the coding strand, the complement: BRIP1 is on the minus strand). VCF-style: chr17-61801275-A-G. GRCh37 (hg19) VCF-style: chr17-59878636-A-G.
Other names: short protein forms L373P.
Identifiers: ClinVar variation 1796849 (VCV001796849.2), dbSNP rs2145332287, ClinGen allele CA400483895.

ClinVar aggregate classification (germline): Uncertain significance (1 of 4 stars; one submission).

Conditions:
Hereditary cancer-predisposing syndrome. Also called: Tumor predisposition; Hereditary Cancer Syndrome; Neoplastic Syndromes, Hereditary; Hereditary neoplastic syndrome. Identifiers: Orphanet 140162, MedGen C0027672, MeSH D009386, MONDO:0015356.

Submission:

Ambry Genetics
Classification: Uncertain significance for Hereditary cancer-predisposing syndrome. Last evaluated: 2020-09-28. Review status: criteria provided, single submitter. Criteria: Ambry Variant Classification Scheme 2023. Collection method: clinical testing. Allele origin: germline.
Comment: The p.L373P variant (also known as c.1118T>C), located in coding exon 7 of the BRIP1 gene, results from a T to C substitution at nucleotide position 1118. The leucine at codon 373 is replaced by proline, an amino acid with similar properties. This amino acid position is highly conserved in available vertebrate species. In addition, this alteration is predicted to be deleterious by in silico analysis. Since supporting evidence is limited at this time, the clinical significance of this alteration remains unclear.